The following is an entry in ClinVar:

NM_001166114.2(PNPLA6):c.3058_3061dup (p.Arg1021fs)

Gene: PNPLA6 (patatin like domain 6, lysophospholipase; plus strand). Cytogenetic location: 19p13.2.
Variant type: Duplication.
Coding change: c.3058_3061dup on transcript NM_001166114.2 (MANE Select); coding-DNA positions 3058 to 3061, 4 bases duplicated (AGCC; older notation c.3058_3061dupAGCC).
Protein change: p.Arg1021fs; shifts the reading frame from arginine 1021.
Molecular consequence: frameshift variant.
Genome position (GRCh38, 1-based): chr19:7,555,728-7,555,731, AGCC duplicated; duplicating any 4 consecutive bases within chr19:7,555,725-7,555,731 gives the same sequence; the c. name uses the placement nearest the transcript's 3' end. VCF-style (leftmost placement, unchanged base first): chr19-7555724-C-CGCCA. GRCh37 (hg19) VCF-style: chr19-7620610-C-CGCCA.
Other names: p.Arg983Glnfs*38; c.2944_2947dup, p.Arg983fs (NM_001166113.1, NM_006702.5); c.3088_3091dup (NM_001166111.1); c.2944_2947dupAGCC (NM_006702.5); c.2944_2947dup (NM_006702.4); c.3088_3091dup, p.Arg1031fs (NM_001166111.2); c.2863_2866dup, p.Arg956fs (NM_001166112.2); short protein forms R1031fs, R1021fs, R956fs, R983fs.
Identifiers: ClinVar variation 6607 (VCV000006607.76), dbSNP rs606231167, ClinGen allele CA118372.

ClinVar aggregate classification (germline): Pathogenic. Review status: criteria provided, multiple submitters, no conflicts (2 of 4 stars). 19 submissions from 17 submitters: Pathogenic (15). 4 of the submissions do not count toward it. Last evaluated 2025-12-31.

Conditions:
Autosomal recessive PNPLA6-related disorders.
Laurence-Moon syndrome (LNMS). Also called: PNPLA6-Related Laurence-Moon Syndrome (LMS). Identifiers: Orphanet 2377, MedGen C0023138, MONDO:0009514, OMIM 245800.
Hereditary spastic paraplegia 39 (SPG39). Also called: SPASTIC PARAPLEGIA 39, AUTOSOMAL RECESSIVE; Spastic Paraplegia Type 39 (SPG39). Identifiers: Orphanet 139480, MedGen C2677586, MONDO:0012787, OMIM 612020.
Ataxia-hypogonadism-choroidal dystrophy syndrome (BNHS). Also called: Chorioretinal dystrophy, spinocerebellar ataxia and hypogonadotropic hypogonadism; Boucher-Neuhäuser Syndrome (BNS). Identifiers: Orphanet 1180, MedGen C1859093, MONDO:0008980, OMIM 215470.
Trichomegaly-retina pigmentary degeneration-dwarfism syndrome (OMCS). Also called: Eyelashes long mental retardation; Trichomegaly retina pigmentary degeneration dwarfism; Oliver-McFarlane Syndrome (OMCS); OLIVER-MCFARLANE SYNDROME. Identifiers: Orphanet 3363, MedGen C1848745, MONDO:0010152, OMIM 275400.
Inborn genetic diseases. Identifiers: MedGen C0950123, MeSH D030342.
PNPLA6-related disorder. Also called: PNPLA6-related condition; PNPLA6-related disorders.
Retinal dystrophy. Also called: Inherited retinal dystrophy. Identifiers: Orphanet 71862, MedGen C0854723, MeSH D058499, MONDO:0019118, HP:0000556.
Hereditary spastic paraplegia. Also called: Familial spastic paraparesis. Identifiers: Orphanet 685, MedGen C0037773, MONDO:0019064. Disease mechanism: loss of function.

Submissions 1 to 11 of 19:

GeneDx
Classification: Pathogenic. Last evaluated: 2025-12-31. Review status: criteria provided, single submitter. Criteria: GeneDx Variant Classification Process June 2021. Collection method: clinical testing. Allele origin: germline. Affected: yes.
Comment: Has been reported previously (as c.2946_2947insCAGC or c.3084_3085insGCCA in some reports due to use of alternate nomenclature) with a second PNPLA6 variant in multiple individuals with spasticity and other PNPLA6-related symptoms (PMID: 18313024, 24355708, 31135245); Fibroblasts from two affected siblings demonstrated significantly reduced NTE special activity (PMID: 20603202); Frameshift variant predicted to result in protein truncation or nonsense mediated decay in a gene for which loss of function is a known mechanism of disease; This variant is associated with the following publications: (PMID: 35069422, 25480986, 25574898, 23733235, 24355708, 31135245, 33726816, 34531397, 34256108, 35947152, 3963113, 8053762, 34906470, 34983064, 36344503, 36460718, 35872528, 20603202, 18313024, 36825042, 38735647)

Mayo Clinic Laboratories, Mayo Clinic
Classification: Pathogenic. Last evaluated: 2025-11-22. Review status: criteria provided, single submitter. Criteria: ACMG Guidelines, 2015. Collection method: clinical testing. Allele origin: germline. Observed: 1 variant allele.
Comment: PM2_supporting, PM3, PS4_moderate, PVS1

Labcorp Genetics (formerly Invitae), Labcorp
Classification: Pathogenic for Hereditary spastic paraplegia 39. Last evaluated: 2025-09-02. Review status: criteria provided, single submitter. Criteria: Invitae Variant Classification Sherloc (09022015). Collection method: clinical testing. Allele origin: germline.
Comment: This sequence change creates a premature translational stop signal (p.Arg983Glnfs*38) in the PNPLA6 gene. It is expected to result in an absent or disrupted protein product. Loss-of-function variants in PNPLA6 are known to be pathogenic (PMID: 24355708). This variant is present in population databases (rs764267161, gnomAD 0.03%). This premature translational stop signal has been observed in individual(s) with hereditary spastic paraplegia, Gordon-Holmes syndrome, Boucher-Neuhauser syndrome, and Laurence-Moon syndrome (PMID: 18313024, 24355708, 25480986). ClinVar contains an entry for this variant (Variation ID: 6607). For these reasons, this variant has been classified as Pathogenic.

Variantyx, Inc.
Classification: Pathogenic for Autosomal recessive PNPLA6-related disorders. Last evaluated: 2025-06-26. Review status: criteria provided, single submitter. Criteria: Variantyx Assertion Criteria 2022. Collection method: clinical testing. Allele origin: germline. Inheritance: Autosomal recessive inheritance. Affected: no.
Comment: This is a frameshift variant in the PNPLA6 gene (OMIM: 603197). Pathogenic variants in this gene have been associated with autosomal recessive PNPLA6-related disorders. This variant introduces a premature termination codon in exon 24 out of 32 and is expected to result in loss of function, which is a known disease mechanism for PNPLA6 in this disorder (PMID: 24355708) (PVS1). This variant has been identified in the homozygous or compound heterozygous state in at least 3 individuals reported in the published literature (PMID: 18313024, 24355708, 25480986)(PM3). It has a 0.0219% maximum allele frequency in non-founder control populations (PM2). Based on the current evidence, this variant is classified as pathogenic for autosomal recessive PNPLA6-related disorders.

Blueprint Genetics
Classification: Pathogenic for PNPLA6-related disorders. Last evaluated: 2024-10-08. Review status: criteria provided, single submitter. Criteria: ACMG Guidelines, 2015. Collection method: clinical testing. Allele origin: germline. Affected: yes. Observed: 5 variant alleles.

Institute of Human Genetics, Univ. Regensburg, Univ. Regensburg
Classification: Pathogenic for Retinal dystrophy. Last evaluated: 2023-01-01. Review status: criteria provided, single submitter. Criteria: ACMG Guidelines, 2015. Collection method: clinical testing. Allele origin: germline. Affected: yes.

Women's Health and Genetics/Laboratory Corporation of America, LabCorp
Classification: Pathogenic for PNPLA6-Related Disorders. Last evaluated: 2022-10-12. Review status: criteria provided, single submitter. Criteria: LabCorp Variant Classification Summary - May 2015. Collection method: clinical testing. Allele origin: germline.
Comment: Variant summary: PNPLA6 c.2944_2947dupAGCC (p.Arg983GlnfsX38), which has also been referred to in the literature as c.2946_2947insCAGC (p.S982fs1019), c.3084_3085insGCCA (p.Arg1031GlufsX38), and c.3091_3092insAGCC (p.Arg1031fsX38), results in a premature termination codon, predicted to cause a truncation of the encoded protein or absence of the protein due to nonsense mediated decay, which are commonly known mechanisms for disease. The variant allele was found at a frequency of 0.00012 in 249798 control chromosomes, predominantly at a frequency of 0.00025 within the Non-Finnish European subpopulation in the gnomAD database. c.2944_2947dupAGCC has been reported in the literature in the compound heterozygous state in multiple individuals affected with PNPLA6-Related Disorders including spastic paraplegia, sporadic ataxia, Gordon Holmes syndrome, Oliver-McFarlane syndrome and Laurence-Moon syndrome (e.g. Rainier_2008, Synofzik_2014, Hufnagel_2015). These data indicate that the variant is very likely to be associated with disease. At least one publication reports experimental evidence evaluating an impact on protein function and found reduced enzyme activity (approximately 60% of normal) in fibroblasts from affected compound heterozygous individuals and also reduced activity (approximately 40% of normal) in unaffected carriers of the variant (Hein_2010). Eight submitters have provided assessments for this variant to ClinVar after 2014 and all classified the variant as pathogenic. Based on the evidence outlined above, the variant was classified as pathogenic.

Fulgent Genetics
Classification: Pathogenic for Ataxia-hypogonadism-choroidal dystrophy syndrome; Laurence-Moon syndrome; Trichomegaly-retina pigmentary degeneration-dwarfism syndrome; Hereditary spastic paraplegia 39. Last evaluated: 2022-03-09. Review status: criteria provided, single submitter. Criteria: ACMG Guidelines, 2015. Collection method: clinical testing. Allele origin: unknown.

Genome Diagnostics Laboratory, The Hospital for Sick Children
Classification: Pathogenic for Hereditary spastic paraplegia. Last evaluated: 2021-12-13. Review status: criteria provided, single submitter. Criteria: ACMG Guidelines, 2015. Collection method: clinical testing. Allele origin: germline. Affected: yes.

Ambry Genetics
Classification: Pathogenic for Inborn genetic diseases. Last evaluated: 2021-11-29. Review status: criteria provided, single submitter. Criteria: Ambry Variant Classification Scheme 2023. Collection method: clinical testing. Allele origin: germline.
Comment: The c.2944_2947dupAGCC (p.R983Qfs*38) alteration, located in exon 27 (coding exon 25) of the PNPLA6 gene, consists of a duplication of AGCC at position 2944, causing a translational frameshift with a predicted alternate stop codon after 38 amino acids. This alteration is expected to result in loss of function by premature protein truncation or nonsense-mediated mRNA decay. This alteration has been reported in multiple individuals with PNPLA6-related disorders and a second alteration in PNPLA6; however, the phase of the alterations was unclear (Rainier, 2008; Synofzik, 2013; Hufnagel, 2015; Kmoch, 2015; O'Neil, 2019). Based on the available evidence, this alteration is classified as pathogenic.

Athena Diagnostics
Classification: Pathogenic. Last evaluated: 2020-11-05. Review status: criteria provided, single submitter. Criteria: Athena Diagnostics criteria. Collection method: clinical testing. Allele origin: unknown.
Comment: This variant is expected to result in the loss of a functional protein. The frequency of this variant in the general population is consistent with pathogenicity. This variant has been identified in at least one individual with clinical features associated with this gene. This variant is also referred to as c.2946_2947_insCAGC, c.3084_3085insGCCA, and c.3091_3092insAGCC in published literature.